The following is an entry in ClinVar:

NM_177438.3(DICER1):c.2256+5G>A

Gene: DICER1 (dicer 1, ribonuclease III; minus strand). Cytogenetic location: 14q32.13.
Variant type: single nucleotide variant.
Coding change: c.2256+5G>A on transcript NM_177438.3 (MANE Select); 5 bases into the intron after coding-DNA position 2256, G replaced by A.
Molecular consequence: intron variant. On other transcripts: missense variant (1).
Genome position (GRCh38, 1-based): chr14:95,111,312, C>T on the plus strand (G>A on the coding strand, the complement: DICER1 is on the minus strand). VCF-style: chr14-95111312-C-T. GRCh37 (hg19) VCF-style: chr14-95577649-C-T.
Other names: c.1856G>A, p.Ser619Asn (NM_001395698.1); c.2256+5G>A (NM_001291628.2, NM_030621.4, NM_001395677.1 and 12 more transcripts); c.1851+5G>A (NM_001395690.1, NM_001395687.1, NM_001395689.1 and 2 more transcripts); c.1974+5G>A (NM_001395686.1); c.1689+5G>A (NM_001395691.1); c.573+5G>A (NM_001395697.1); short protein forms S619N.
Identifiers: ClinVar variation 2020494 (VCV002020494.5), dbSNP rs1595390864, ClinGen allele CA2580088947.

ClinVar aggregate classification (germline): Likely pathogenic. Review status: reviewed by expert panel (3 of 4 stars). 2 submissions from 2 submitters: Likely pathogenic (1). 1 of the submissions does not count toward it. Last evaluated 2025-06-24.

Conditions:
DICER1-related tumor predisposition. Also called: DICER1 syndrome; DICER1-related pleuropulmonary blastoma cancer predisposition syndrome. Identifiers: Orphanet 284343, MedGen C3839822, MONDO:0100216.

Submissions (2):

ClinGen DICER1 and miRNA-Processing Gene Variant Curation Expert Panel, ClinGen
Classification: Likely pathogenic for DICER1-related tumor predisposition. Last evaluated: 2025-06-24. Review status: reviewed by expert panel. Criteria: ClinGen DICER1 ACMG Specifications DICER1 V1.3.0. Collection method: curation. Allele origin: germline. Inheritance: Autosomal dominant inheritance.
Comment: The NM_177438.3:c.2256+5G>A variant in DICER1 is an intronic variant resulting in an G to A substitution 5 nucleotides downstream from coding exon 14. This variant received a total of 1 phenotype points across 1 proband meeting DICER1 VCEP phenotype specificity scoring criteria of 1-1.5 points (PS4_Supporting; Internal contributor). This variant is absent from gnomAD v4.1.0 (PM2_Supporting). Sequencing of RNA from patients showed an out-of-frame impact on splicing, indicating that this variant impacts protein function (PS3; Internal lab contributor). The splice site predictor SpliceAI indicates that the variant impacts splicing, evidence that correlates with impact to DICER1 function (PP3). In summary, this variant meets the criteria to be classified as likely pathogenic for DICER1-related tumor predisposition based on the ACMG/AMP criteria applied, as specified by the ClinGen DICER1 VCEP: PS3, PS4_Supporting, PP4, PM2_Supporting, PP3. (Bayesian Points: 8; VCEP specifications version 1.3.0; 06/24/2025)

Labcorp Genetics (formerly Invitae), Labcorp
Classification: Uncertain significance for DICER1-related tumor predisposition. Last evaluated: 2022-10-25. Review status: criteria provided, single submitter. Criteria: Invitae Variant Classification Sherloc (09022015). Collection method: clinical testing. Allele origin: germline. Not counted in ClinVar's aggregate classification.
Comment: This sequence change falls in intron 14 of the DICER1 gene. It does not directly change the encoded amino acid sequence of the DICER1 protein. It affects a nucleotide within the consensus splice site. In summary, the available evidence is currently insufficient to determine the role of this variant in disease. Therefore, it has been classified as a Variant of Uncertain Significance. Variants that disrupt the consensus splice site are a relatively common cause of aberrant splicing (PMID: 17576681, 9536098). Algorithms developed to predict the effect of sequence changes on RNA splicing suggest that this variant may disrupt the consensus splice site. This variant has been observed in individual(s) with clinical features of DICER1 syndrome (Invitae). This variant is not present in population databases (gnomAD no frequency).

Literature cited by the submitters: PubMed 17576681 (cited by Labcorp Genetics (formerly Invitae), Labcorp); PubMed 9536098 (cited by Labcorp Genetics (formerly Invitae), Labcorp).